The following is an entry in ClinVar:

ClinVar aggregate classification (germline): Uncertain significance. Review status: criteria provided, multiple submitters, no conflicts (2 of 4 stars). 3 submissions from 3 submitters: Uncertain significance (3). Last evaluated 2026-06-27.

Conditions:
Inborn genetic diseases. Identifiers: MedGen C0950123, MeSH D030342.
PCNT-related disorder. Also called: PCNT-related condition.

Allele frequency attached by ClinVar (database versions not stated): ExAC 0.00007; gnomAD 0.00011; ESP Exome Variant Server 0.00031; TOPMed 0.00015.
gnomAD v4.1: 103 of 1,613,618 alleles (0.0064%); highest among the groups gnomAD compares: African/African-American, 0.02%; no homozygotes.

Submissions (3):

PreventionGenetics, part of Exact Sciences
Classification: Uncertain significance for PCNT-related condition. Last evaluated: 2026-06-27. Review status: criteria provided, single submitter. Criteria: ACMG Guidelines, 2015. Collection method: clinical testing. Allele origin: germline.
Comment: The PCNT c.9590G>A variant is predicted to result in the amino acid substitution p.Arg3197His. To our knowledge, this variant has not been reported in the literature. This variant is reported in 0.016% of alleles in individuals of African descent in gnomAD. At this time, the clinical significance of this variant is uncertain due to the absence of conclusive functional and genetic evidence.

GeneDx
Classification: Uncertain significance. Last evaluated: 2026-04-07. Review status: criteria provided, single submitter. Criteria: GeneDx Variant Classification Process June 2021. Collection method: clinical testing. Allele origin: germline.
Comment: In silico analysis supports that this missense variant has a deleterious effect on protein structure/function; Has not been previously published as pathogenic or benign to our knowledge

Ambry Genetics
Classification: Uncertain significance for Inborn genetic diseases. Last evaluated: 2023-05-02. Review status: criteria provided, single submitter. Criteria: Ambry Variant Classification Scheme 2023. Collection method: clinical testing. Allele origin: germline.

NM_006031.6(PCNT):c.9590G>A (p.Arg3197His)

Gene: PCNT (pericentrin; plus strand). Cytogenetic location: 21q22.3.
Variant type: single nucleotide variant.
Coding change: c.9590G>A on transcript NM_006031.6 (MANE Select); coding-DNA position 9590, G replaced by A.
Protein change: p.Arg3197His; replaces arginine 3197 with histidine.
Molecular consequence: missense variant.
Genome position (GRCh38, 1-based): chr21:46,441,051, G>A. VCF-style: chr21-46441051-G-A. GRCh37 (hg19) VCF-style: chr21-47860964-G-A.
Other names: c.8999G>A, p.Arg3000His (NM_001315529.2); short protein forms R3000H, R3197H.
Identifiers: ClinVar variation 2561487 (VCV002561487.5), dbSNP rs149001544, ClinGen allele CA10081362.